The following is an entry in ClinVar:

ClinVar aggregate classification (germline): Likely benign (1 of 4 stars; one submission).

Allele frequency attached by ClinVar (database versions not stated): 1000 Genomes Project 30x 0.00016; gnomAD 0.00035; TOPMed 0.00040; gnomAD exomes 0.00047.
gnomAD v4.1: 163 of 398,504 alleles (0.041%); highest among the groups gnomAD compares: Middle Eastern, 0.13%; no homozygotes.

Submission:

CeGaT Center for Human Genetics Tuebingen
Classification: Likely benign. Last evaluated: 2026-09-01. Review status: criteria provided, single submitter. Criteria: CeGaT Center For Human Genetics Tuebingen Variant Classification Criteria Version 2. Collection method: clinical testing. Allele origin: germline. Affected: yes. Observed: 6 variant alleles.
Comment: KCNQ1OT1: BS2

NM_000218.3(KCNQ1):c.1394-18042G>A

Genes: KCNQ1 (potassium voltage-gated channel subfamily Q member 1; plus strand), KCNQ1OT1 (KCNQ1 opposite strand/antisense transcript 1; minus strand). Cytogenetic location: 11p15.5.
Variant type: single nucleotide variant.
Coding change: c.1394-18042G>A on transcript NM_000218.3 (MANE Select); 18042 bases into the intron before coding-DNA position 1394, G replaced by A.
Molecular consequence: intron variant. On other transcripts: non-coding transcript variant (1).
Genome position (GRCh38, 1-based): chr11:2,643,919, G>A. VCF-style: chr11-2643919-G-A. GRCh37 (hg19) VCF-style: chr11-2665149-G-A.
Other names: c.1124-18042G>A (NM_001406837.1); c.1298-18042G>A (NM_001406836.1); c.854-18042G>A (NM_001406838.1); c.1013-18042G>A (NM_181798.2).
Identifiers: ClinVar variation 2641412 (VCV002641412.24), dbSNP rs1042642720, ClinGen allele CA216156492.